The following is an entry in ClinVar:

ClinVar aggregate classification (germline): Uncertain significance. Review status: criteria provided, multiple submitters, no conflicts (2 of 4 stars). 3 submissions from 3 submitters: Uncertain significance (3). Last evaluated 2024-01-19.

Conditions:
Peroxisome biogenesis disorder. Identifiers: Orphanet 79189, MedGen C1832200, MONDO:0019234. Disease mechanism: loss of function.

gnomAD v4.1: 55 of 1,614,034 alleles (0.0034%); highest among the groups gnomAD compares: Non-Finnish European, 0.0045%; no homozygotes.

Submissions (3):

Blueprint Genetics
Classification: Uncertain significance. Last evaluated: 2024-01-19. Review status: criteria provided, single submitter. Criteria: ACMG Guidelines, 2015. Collection method: clinical testing. Allele origin: germline.

Labcorp Genetics (formerly Invitae), Labcorp
Classification: Uncertain significance for Peroxisome biogenesis disorder. Last evaluated: 2023-12-11. Review status: criteria provided, single submitter. Criteria: Invitae Variant Classification Sherloc (09022015). Collection method: clinical testing. Allele origin: germline.
Comment: This sequence change replaces asparagine, which is neutral and polar, with aspartic acid, which is acidic and polar, at codon 233 of the PEX6 protein (p.Asn233Asp). This variant is present in population databases (no rsID available, gnomAD 0.003%). This variant has not been reported in the literature in individuals affected with PEX6-related conditions. ClinVar contains an entry for this variant (Variation ID: 597627). Advanced modeling of protein sequence and biophysical properties (such as structural, functional, and spatial information, amino acid conservation, physicochemical variation, residue mobility, and thermodynamic stability) performed at Invitae indicates that this missense variant is not expected to disrupt PEX6 protein function with a negative predictive value of 95%. In summary, the available evidence is currently insufficient to determine the role of this variant in disease. Therefore, it has been classified as a Variant of Uncertain Significance.

Eurofins Ntd Llc (ga)
Classification: Uncertain significance. Last evaluated: 2018-06-20. Review status: criteria provided, single submitter. Criteria: EGL ClinVar v180209 classification definitions. Collection method: clinical testing. Allele origin: germline. Observed: 1 variant allele, 1 heterozygote.

NM_000287.4(PEX6):c.697A>G (p.Asn233Asp)

Gene: PEX6 (peroxisomal biogenesis factor 6; minus strand). Cytogenetic location: 6p21.1.
Variant type: single nucleotide variant.
Coding change: c.697A>G on transcript NM_000287.4 (MANE Select); coding-DNA position 697, A replaced by G.
Protein change: p.Asn233Asp; replaces asparagine 233 with aspartic acid.
Molecular consequence: missense variant. On other transcripts: non-coding transcript variant (1), intron variant (1).
Genome position (GRCh38, 1-based): chr6:42,978,454, T>C on the plus strand (A>G on the coding strand, the complement: PEX6 is on the minus strand). VCF-style: chr6-42978454-T-C. GRCh37 (hg19) VCF-style: chr6-42946192-T-C.
Other names: c.618+79A>G (NM_001316313.2); short protein forms N233D.
Identifiers: ClinVar variation 597627 (VCV000597627.11), dbSNP rs374452739, ClinGen allele CA138237774.
Genomic context (GRCh38, chr6:42,978,454, plus strand): 5'-CAGAGAGGTCCCAGCGAGGTTCTAGGACCTGCACCCTAGCCAAGTGCGGCTGTGAAGTGT[T>C]CGATGACTCTCTGGCCTGGGCCACCCACACCCATTCGCCCTGGAAGAGGCCAAGGCCACG-3'
Protein context (NP_000278.3, residues 223-243): VWVAQARESS[Asn233Asp]TSQPHLARVQ